The following is an entry in ClinVar:

NM_001370259.2(MEN1):c.269_270del (p.Tyr90fs)

Gene: MEN1 (menin 1; minus strand). Cytogenetic location: 11q13.1.
Variant type: Deletion.
Coding change: c.269_270del on transcript NM_001370259.2 (MANE Select); coding-DNA positions 269 to 270, 2 bases deleted (AT; older notation c.269_270delAT).
Protein change: p.Tyr90fs; shifts the reading frame from tyrosine 90.
Molecular consequence: frameshift variant. On other transcripts: non-coding transcript variant (4).
Genome position (GRCh38, 1-based): chr11:64,809,840-64,809,841, AT deleted on the plus strand (AT on the coding strand, the reverse complement: MEN1 is on the minus strand); deleting any 2 consecutive bases within chr11:64,809,840-64,809,842 gives the same sequence; the c. name uses the placement nearest the transcript's 3' end. VCF-style (leftmost placement, unchanged base first): chr11-64809839-CAT-C. GRCh37 (hg19) VCF-style: chr11-64577311-CAT-C.
Other names: c.269_270del, p.Tyr90fs (NM_000244.4, NM_001370251.2, NM_001370260.2 and 20 more transcripts); short protein forms Y90fs.
Identifiers: ClinVar variation 4852801 (VCV004852801.1).
Genomic context (GRCh38, chr11:64,809,839, plus strand): 5'-CCCCTTCTCGAGGATAGAGGGACAGGTCGACGGCGCCTCGGATCTGGGCGGTGAAGCGGG[CAT>C]AGAGGGCGGCGATGATAGACAGGTCGGCCACGGGAAAGTAGGTGAGGCCGCCAGGCGGGT-3'

ClinVar aggregate classification (germline): Pathogenic (1 of 4 stars; one submission).

Conditions:
Neoplasm of the endocrine system. Also called: Endocrine gland neoplasm; Endocrine neoplasia. Identifiers: Orphanet 182130, MedGen C0014132, MONDO:0002082, HP:0100568.

Submission:

Cambridge Genomics Laboratory, East Genomic Laboratory Hub, NHS Genomic Medicine Service
Classification: Pathogenic for Endocrine neoplasia. Last evaluated: 2026-05-21. Review status: criteria provided, single submitter. Criteria: ACGS Best Practice Guidelines for Variant Classification in Rare Disease 2020. Collection method: clinical testing. Allele origin: germline. Affected: yes.
Comment: PVS1,PM2